The following is an entry in ClinVar:

NM_006648.4(WNK2):c.5328C>G (p.Asp1776Glu)

Gene: WNK2 (WNK lysine deficient protein kinase 2; plus strand). Cytogenetic location: 9q22.31.
Variant type: single nucleotide variant.
Coding change: c.5328C>G on transcript NM_006648.4 (MANE Select); coding-DNA position 5328, C replaced by G.
Protein change: p.Asp1776Glu; replaces aspartic acid 1776 with glutamic acid.
Molecular consequence: missense variant.
Genome position (GRCh38, 1-based): chr9:93,292,793, C>G. VCF-style: chr9-93292793-C-G. GRCh37 (hg19) VCF-style: chr9-96055075-C-G.
Other names: c.5439C>G, p.Asp1813Glu (NM_001282394.3); short protein forms D1776E, D1813E.
Identifiers: ClinVar variation 3470534 (VCV003470534.1).

ClinVar aggregate classification (germline): Uncertain significance (1 of 4 stars; one submission).

gnomAD v4.1: 1 of 1,549,394 alleles (0.000065%); highest among the groups gnomAD compares: South Asian, 0.0012%; no homozygotes.

Submission:

Ambry Genetics
Classification: Uncertain significance. Last evaluated: 2024-11-30. Review status: criteria provided, single submitter. Criteria: Ambry Variant Classification Scheme 2023. Collection method: clinical testing. Allele origin: germline.
Comment: The p.D1776E variant (also known as c.5328C>G), located in coding exon 22 of the WNK2 gene, results from a C to G substitution at nucleotide position 5328. The aspartic acid at codon 1776 is replaced by glutamic acid, an amino acid with highly similar properties. This amino acid position is conserved. In addition, this alteration is predicted to be tolerated by in silico analysis. Based on the available evidence, the clinical significance of this variant remains unclear.